The following is an entry in ClinVar:

ClinVar aggregate classification (germline): Pathogenic (1 of 4 stars; one submission).

Submission:

GeneDx
Classification: Pathogenic. Last evaluated: 2015-11-10. Review status: criteria provided, single submitter. Criteria: GeneDx Variant Classification (06012015). Collection method: clinical testing. Allele origin: germline. Affected: yes.
Comment: The E539X nonsense variant in the KAL1 gene is predicted to cause loss of normal protein functioneither through protein truncation or nonsense-mediated mRNA decay. The E539X variant was notobserved in approximately 6,500 individuals of European and African American ancestry in theNHLBI Exome Sequencing Project, indicating it is not a common benign variant in these populations.Although this variant has not been previously reported to our knowledge, we interpret it as pathogenic.

NM_000216.4(ANOS1):c.1615G>T (p.Glu539Ter)

Gene: ANOS1 (anosmin 1; minus strand). Cytogenetic location: Xp22.31.
Variant type: single nucleotide variant.
Coding change: c.1615G>T on transcript NM_000216.4 (MANE Select); coding-DNA position 1615, G replaced by T.
Protein change: p.Glu539Ter; replaces glutamic acid 539 with a stop codon.
Molecular consequence: nonsense.
Genome position (GRCh38, 1-based): chrX:8,536,777, C>A on the plus strand (G>T on the coding strand, the complement: ANOS1 is on the minus strand). VCF-style: chrX-8536777-C-A. GRCh37 (hg19) VCF-style: chrX-8504818-C-A.
Other names: short protein forms E539*.
Identifiers: ClinVar variation 430035 (VCV000430035.2), dbSNP rs144586521, ClinGen allele CA411987765.